The following is an entry in ClinVar:

ClinVar aggregate classification (germline): Uncertain significance (1 of 4 stars; one submission).

Allele frequency attached by ClinVar (database versions not stated): TOPMed below 0.00001; ExAC 0.00001; gnomAD 0.00001; gnomAD exomes 0.00001.
gnomAD v4.1: 5 of 1,612,864 alleles (0.00031%); highest among the groups gnomAD compares: Non-Finnish European, 0.00042%; no homozygotes.

Submission:

Labcorp Genetics (formerly Invitae), Labcorp
Classification: Uncertain significance. Last evaluated: 2021-08-29. Review status: criteria provided, single submitter. Criteria: Invitae Variant Classification Sherloc (09022015). Collection method: clinical testing. Allele origin: germline.
Comment: This variant has not been reported in the literature in individuals affected with COL11A2-related conditions. In summary, the available evidence is currently insufficient to determine the role of this variant in disease. Therefore, it has been classified as a Variant of Uncertain Significance. Advanced modeling of protein sequence and biophysical properties (such as structural, functional, and spatial information, amino acid conservation, physicochemical variation, residue mobility, and thermodynamic stability) performed at Invitae indicates that this missense variant is not expected to disrupt COL11A2 protein function. This variant is present in population databases (rs763176333, ExAC 0.002%). This sequence change replaces histidine with arginine at codon 150 of the COL11A2 protein (p.His150Arg). The histidine residue is highly conserved and there is a small physicochemical difference between histidine and arginine.

NM_080680.3(COL11A2):c.449A>G (p.His150Arg)

Gene: COL11A2 (collagen type XI alpha 2 chain; minus strand). Cytogenetic location: 6p21.32.
Variant type: single nucleotide variant.
Coding change: c.449A>G on transcript NM_080680.3 (MANE Select); coding-DNA position 449, A replaced by G.
Protein change: p.His150Arg; replaces histidine 150 with arginine.
Molecular consequence: missense variant.
Genome position (GRCh38, 1-based): chr6:33,188,519, T>C on the plus strand (A>G on the coding strand, the complement: COL11A2 is on the minus strand). VCF-style: chr6-33188519-T-C. GRCh37 (hg19) VCF-style: chr6-33156296-T-C.
Other names: c.449A>G, p.His150Arg (NM_001163771.2, NM_080679.3, NM_080681.3); short protein forms H150R.
Identifiers: ClinVar variation 1489644 (VCV001489644.4), dbSNP rs763176333, ClinGen allele CA3751658.